The following is an entry in ClinVar:

ClinVar aggregate classification (germline): Pathogenic. Review status: criteria provided, single submitter (1 of 4 stars). 2 submissions from 2 submitters: Pathogenic (1). 1 of the submissions does not count toward it. Last evaluated 2022-06-10.

Conditions:
Pulmonary hypertension, primary, 1 (PPH1). Also called: Pulmonary hypertension, familial primary, 1, with or without HHT. Identifiers: Orphanet 422, MedGen C4552070, MONDO:0024533, OMIM 178600.
Primary pulmonary hypertension. Also called: Idiopathic pulmonary hypertension. Identifiers: MedGen C0152171.

Submissions (2):

Labcorp Genetics (formerly Invitae), Labcorp
Classification: Pathogenic for Primary pulmonary hypertension. Last evaluated: 2022-06-10. Review status: criteria provided, single submitter. Criteria: Invitae Variant Classification Sherloc (09022015). Collection method: clinical testing. Allele origin: germline.
Comment: This sequence change affects an acceptor splice site in intron 10 of the BMPR2 gene. It is expected to disrupt RNA splicing. Variants that disrupt the donor or acceptor splice site typically lead to a loss of protein function (PMID: 16199547), and loss-of-function variants in BMPR2 are known to be pathogenic (PMID: 16429395). This variant is not present in population databases (gnomAD no frequency). Disruption of this splice site has been observed in individuals with pulmonary arterial hypertension (PMID: 16429395, 30679663). ClinVar contains an entry for this variant (Variation ID: 425940). Algorithms developed to predict the effect of sequence changes on RNA splicing suggest that this variant may disrupt the consensus splice site. For these reasons, this variant has been classified as Pathogenic.

Rare Disease Genomics Group, St George's University of London
Classification: Pathogenic for Primary pulmonary hypertension. Review status: no assertion criteria provided. Collection method: literature only. Allele origin: germline. Affected: yes. Not counted in ClinVar's aggregate classification.

Literature cited by the submitters: PubMed 16199547 (cited by Labcorp Genetics (formerly Invitae), Labcorp); PubMed 16429395 (cited by Labcorp Genetics (formerly Invitae), Labcorp and Rare Disease Genomics Group, St George's University of London); PubMed 30679663 (cited by Labcorp Genetics (formerly Invitae), Labcorp).

NM_001204.7(BMPR2):c.1414-2A>T

Gene: BMPR2 (bone morphogenetic protein receptor type 2; plus strand). Cytogenetic location: 2q33.2.
Variant type: single nucleotide variant.
Coding change: c.1414-2A>T on transcript NM_001204.7 (MANE Select); the canonical splice acceptor site of the intron before coding-DNA position 1414, A replaced by T.
Molecular consequence: splice acceptor variant.
Genome position (GRCh38, 1-based): chr2:202,552,714, A>T. VCF-style: chr2-202552714-A-T. GRCh37 (hg19) VCF-style: chr2-203417437-A-T.
Identifiers: ClinVar variation 425940 (VCV000425940.6), dbSNP rs1085307351, ClinGen allele CA350344399.